The following is an entry in ClinVar:

NM_004525.3(LRP2):c.10169+6T>C

Gene: LRP2 (LDL receptor related protein 2; minus strand). Cytogenetic location: 2q31.1.
Variant type: single nucleotide variant.
Coding change: c.10169+6T>C on transcript NM_004525.3 (MANE Select); 6 bases into the intron after coding-DNA position 10169, T replaced by C.
Molecular consequence: intron variant.
Genome position (GRCh38, 1-based): chr2:169,181,442, A>G on the plus strand (T>C on the coding strand, the complement: LRP2 is on the minus strand). VCF-style: chr2-169181442-A-G. GRCh37 (hg19) VCF-style: chr2-170037952-A-G.
Identifiers: ClinVar variation 1934703 (VCV001934703.8), dbSNP rs774133021, ClinGen allele CA1953417.

ClinVar aggregate classification (germline): Uncertain significance. Review status: criteria provided, multiple submitters, no conflicts (2 of 4 stars). 3 submissions from 3 submitters: Uncertain significance (3). Last evaluated 2023-10-18.

Conditions:
Donnai-Barrow syndrome. Also called: DBS/FOAR SYNDROME; FACIOOCULOACOUSTICORENAL SYNDROME. Identifiers: Orphanet 2143, MedGen C1857277, MONDO:0009104, OMIM 222448.

Allele frequency attached by ClinVar (database versions not stated): gnomAD exomes below 0.00001; TOPMed below 0.00001; ExAC 0.00001.
gnomAD v4.1: 7 of 1,613,576 alleles (0.00043%); highest among the groups gnomAD compares: Non-Finnish European, 0.00042%; no homozygotes.

Submissions (3):

Revvity Omics, Revvity
Classification: Uncertain significance for Donnai-Barrow syndrome. Last evaluated: 2023-10-18. Review status: criteria provided, single submitter. Criteria: ACMG Guidelines, 2015. Collection method: clinical testing. Allele origin: germline.

Labcorp Genetics (formerly Invitae), Labcorp
Classification: Uncertain significance. Last evaluated: 2023-08-10. Review status: criteria provided, single submitter. Criteria: Invitae Variant Classification Sherloc (09022015). Collection method: clinical testing. Allele origin: germline.
Comment: This sequence change falls in intron 52 of the LRP2 gene. It does not directly change the encoded amino acid sequence of the LRP2 protein. It affects a nucleotide within the consensus splice site. This variant is present in population databases (rs774133021, gnomAD 0.0009%). This variant has not been reported in the literature in individuals affected with LRP2-related conditions. ClinVar contains an entry for this variant (Variation ID: 1934703). Variants that disrupt the consensus splice site are a relatively common cause of aberrant splicing (PMID: 17576681, 9536098). Algorithms developed to predict the effect of sequence changes on RNA splicing suggest that this variant may disrupt the consensus splice site. In summary, the available evidence is currently insufficient to determine the role of this variant in disease. Therefore, it has been classified as a Variant of Uncertain Significance.

Blueprint Genetics
Classification: Uncertain significance. Last evaluated: 2020-01-20. Review status: criteria provided, single submitter. Criteria: ACMG Guidelines, 2015. Collection method: clinical testing. Allele origin: germline.

Literature cited by the submitters: PubMed 17576681 (cited by Labcorp Genetics (formerly Invitae), Labcorp); PubMed 9536098 (cited by Labcorp Genetics (formerly Invitae), Labcorp).